The following is an entry in ClinVar:

NM_014384.3(ACAD8):c.822C>A (p.Asn274Lys)

Gene: ACAD8 (acyl-CoA dehydrogenase family member 8; plus strand). Cytogenetic location: 11q25.
Variant type: single nucleotide variant.
Coding change: c.822C>A on transcript NM_014384.3 (MANE Select); coding-DNA position 822, C replaced by A.
Protein change: p.Asn274Lys; replaces asparagine 274 with lysine.
Molecular consequence: missense variant.
Genome position (GRCh38, 1-based): chr11:134,261,160, C>A. VCF-style: chr11-134261160-C-A. GRCh37 (hg19) VCF-style: chr11-134131054-C-A.
Other names: c.822C>A (NM_014384.2); short protein forms N274K.
Identifiers: ClinVar variation 1001998 (VCV001001998.10), dbSNP rs371156848, ClinGen allele CA6373086.
Genomic context (GRCh38, chr11:134,261,160, plus strand): 5'-TGTGGCCAACAGAATTGGGAGCGAGGGGCAGGGCTTCCTCATTGCCGTGAGAGGACTGAA[C>A]GGAGGGAGGATCAATATTGGTGAGATACGCAGGGGTGTGGCAGGGAGGTAGCGGTCCGGG-3'
Protein context (NP_055199.1, residues 264-284): QGFLIAVRGL[Asn274Lys]GGRINIASCS

ClinVar aggregate classification (germline): Conflicting classifications of pathogenicity. Review status: criteria provided, conflicting classifications (1 of 4 stars). 2 submissions from 2 submitters: Likely pathogenic (1); Uncertain significance (1). Last evaluated 2024-05-09.

Conditions:
ACAD8-related disorder. Also called: ACAD8-related condition.
Deficiency of isobutyryl-CoA dehydrogenase. Also called: IBD DEFICIENCY; ACAD8 DEFICIENCY; ACYL-CoA DEHYDROGENASE FAMILY, MEMBER 8, DEFICIENCY OF. Identifiers: Orphanet 79159, MedGen C1969809, MONDO:0012648, OMIM 611283.

Allele frequency attached by ClinVar (database versions not stated): TOPMed 0.00002; ExAC 0.00003; ESP Exome Variant Server 0.00008.

Submissions (2):

Labcorp Genetics (formerly Invitae), Labcorp
Classification: Uncertain significance for Deficiency of isobutyryl-CoA dehydrogenase. Last evaluated: 2024-05-09. Review status: criteria provided, single submitter. Criteria: Invitae Variant Classification Sherloc (09022015). Collection method: clinical testing. Allele origin: germline.
Comment: This sequence change replaces asparagine, which is neutral and polar, with lysine, which is basic and polar, at codon 274 of the ACAD8 protein (p.Asn274Lys). This variant is present in population databases (rs371156848, gnomAD 0.007%). This variant has not been reported in the literature in individuals affected with ACAD8-related conditions. ClinVar contains an entry for this variant (Variation ID: 1001998). Advanced modeling of protein sequence and biophysical properties (such as structural, functional, and spatial information, amino acid conservation, physicochemical variation, residue mobility, and thermodynamic stability) performed at Invitae indicates that this missense variant is expected to disrupt ACAD8 protein function with a positive predictive value of 80%. In summary, the available evidence is currently insufficient to determine the role of this variant in disease. Therefore, it has been classified as a Variant of Uncertain Significance.

PreventionGenetics, part of Exact Sciences
Classification: Likely pathogenic for ACAD8-related condition. Last evaluated: 2023-06-01. Review status: criteria provided, single submitter. Criteria: ACMG Guidelines, 2015. Collection method: clinical testing. Allele origin: germline.
Comment: The ACAD8 c.822C>A variant is predicted to result in the amino acid substitution p.Asn274Lys. This variant has been reported in the compound heterozygous state in an individual with isobutyryl-CoA dehydrogenase deficiency (Figure 1, Tummolo et al. 2022. PubMed ID: 35822092). This variant is reported in 0.0072% of alleles in individuals of European (Non-Finnish) descent in gnomAD. This variant is interpreted as likely pathogenic.